The following is an entry in ClinVar:

NM_006904.7(PRKDC):c.7760A>G (p.Gln2587Arg)

Gene: PRKDC (protein kinase, DNA-activated, catalytic subunit; minus strand). Cytogenetic location: 8q11.21.
Variant type: single nucleotide variant.
Coding change: c.7760A>G on transcript NM_006904.7 (MANE Select); coding-DNA position 7760, A replaced by G.
Protein change: p.Gln2587Arg; replaces glutamine 2587 with arginine.
Molecular consequence: missense variant.
Genome position (GRCh38, 1-based): chr8:47,837,213, T>C on the plus strand (A>G on the coding strand, the complement: PRKDC is on the minus strand). VCF-style: chr8-47837213-T-C. GRCh37 (hg19) VCF-style: chr8-48749774-T-C.
Other names: c.7760A>G, p.Gln2587Arg (NM_001081640.2); short protein forms Q2587R.
Identifiers: ClinVar variation 1403820 (VCV001403820.3), dbSNP rs749917157, ClinGen allele CA4740040.

ClinVar aggregate classification (germline): Uncertain significance (1 of 4 stars; one submission).

Conditions:
Severe combined immunodeficiency due to DNA-PKcs deficiency. Also called: IMMUNODEFICIENCY 26 WITH NEUROLOGIC ABNORMALITIES; Immunodeficiency 26 with or without neurologic abnormalities. Identifiers: Orphanet 317425, MedGen C4014833, MONDO:0014423, OMIM 615966.

Allele frequency attached by ClinVar (database versions not stated): ExAC 0.00001; gnomAD 0.00001; gnomAD exomes 0.00001.
gnomAD v4.1: 15 of 1,611,560 alleles (0.00093%); highest among the groups gnomAD compares: South Asian, 0.015%; no homozygotes.

Submission:

Labcorp Genetics (formerly Invitae), Labcorp
Classification: Uncertain significance for Severe combined immunodeficiency due to DNA-PKcs deficiency. Last evaluated: 2021-12-02. Review status: criteria provided, single submitter. Criteria: Invitae Variant Classification Sherloc (09022015). Collection method: clinical testing. Allele origin: germline.
Comment: This sequence change replaces glutamine, which is neutral and polar, with arginine, which is basic and polar, at codon 2587 of the PRKDC protein (p.Gln2587Arg). This variant is present in population databases (rs749917157, gnomAD 0.01%). This variant has not been reported in the literature in individuals affected with PRKDC-related conditions. Algorithms developed to predict the effect of sequence changes on RNA splicing suggest that this variant may disrupt the consensus splice site. In summary, the available evidence is currently insufficient to determine the role of this variant in disease. Therefore, it has been classified as a Variant of Uncertain Significance.